The following is an entry in ClinVar:

ClinVar aggregate classification (germline): Pathogenic (1 of 4 stars; one submission).

Conditions:
Nemaline myopathy 2 (NEM2). Also called: Nemaline myopathy 2, autosomal recessive. Identifiers: MedGen C1850569, MONDO:0009725, OMIM 256030.

Allele frequency attached by ClinVar (database versions not stated): TOPMed below 0.00001.

Submission:

Labcorp Genetics (formerly Invitae), Labcorp
Classification: Pathogenic for Nemaline myopathy 2. Last evaluated: 2022-10-28. Review status: criteria provided, single submitter. Criteria: Invitae Variant Classification Sherloc (09022015). Collection method: clinical testing. Allele origin: germline.
Comment: This sequence change creates a premature translational stop signal (p.Val7869Cysfs*23) in the NEB gene. It is expected to result in an absent or disrupted protein product. Loss-of-function variants in NEB are known to be pathogenic (PMID: 25205138). This variant is not present in population databases (gnomAD no frequency). This variant has not been reported in the literature in individuals affected with NEB-related conditions. For these reasons, this variant has been classified as Pathogenic.

Literature cited by the submitters: PubMed 25205138.

NM_001164508.2(NEB):c.23498_23499insA (p.Val7834fs)

Genes: NEB (nebulin; minus strand), RIF1 (replication timing regulatory factor 1; plus strand). Cytogenetic location: 2q23.3.
Variant type: Insertion.
Coding change: c.23498_23499insA on transcript NM_001164508.2 (MANE Select); coding-DNA positions 23498 to 23499, A inserted.
Protein change: p.Val7834fs; shifts the reading frame from valine 7834.
Molecular consequence: frameshift variant.
Genome position: GRCh38 VCF-style: chr2-151506966-A-AT. GRCh37 (hg19) VCF-style: chr2-152363480-A-AT.
Other names: c.23498_23499insA, p.Val7834fs (NM_001164507.2); c.23603_23604insA, p.Val7869fs (NM_001271208.2); c.18395_18396insA, p.Val6133fs (NM_004543.5); short protein forms V7834fs, V6133fs, V7869fs.
Identifiers: ClinVar variation 2809463 (VCV002809463.3), dbSNP rs1425369800, ClinGen allele CA758868032.